The following is an entry in ClinVar:

ClinVar aggregate classification (germline): Uncertain significance (1 of 4 stars; one submission).

Conditions:
Polycystic kidney disease, adult type (PKD1). Also called: Polycystic Kidney Disease 1, Autosomal Dominant; Polycystic kidney disease 1; Polycystic kidney disease 1, severe; Polycystic Kidney, Autosomal Dominant; POLYCYSTIC KIDNEY DISEASE 1 WITH OR WITHOUT POLYCYSTIC LIVER DISEASE; POLYCYSTIC KIDNEY DISEASE, ADULT, TYPE I. Identifiers: MedGen C3149841, MONDO:0008263, OMIM 173900.

Submission:

Victorian Clinical Genetics Services, Murdoch Childrens Research Institute
Classification: Uncertain significance for Polycystic kidney disease, adult type. Last evaluated: 2020-10-19. Review status: criteria provided, single submitter. Criteria: ACMG Guidelines, 2015. Collection method: clinical testing. Allele origin: germline. Inheritance: Autosomal dominant inheritance. Affected: yes.
Comment: Based on the classification scheme VCGS_Germline_v1.1.1, this variant is classified as 3B-VUS. Following criteria are met: 0102 - Loss of function is a known mechanism of disease for this gene. (N) 0107 - This gene is known to be associated with autosomal dominant polycystic kidney disease predominantly caused by monoallelic variants, with rare reports of biallelic variants causing disease. (N) 0200 - Variant is predicted to result in a missense amino acid change from a glycine to a cysteine (exon 11). (N) 0251 - Variant is heterozygous. (N) 0301 - Variant is absent from gnomAD. (P) 0502 - Missense variant with conflicting in silico predictions and low conservation. (N) 0600 - Variant is located in an annotated domain or motif; PCC domain (NCBI conserved domain). (N) 0705 - No comparable variants have previous evidence for pathogenicity. (N) 0807 - Variant has not previously been reported in a clinical context. (N) 0905 - No segregation evidence has been identified for this variant. (N) 1007 - No published functional evidence has been identified for this variant in the literature. (N) 1201 - Heterozygous variant detected in trans with a second (at least likely) pathogenic heterozygous variant in a recessive disease. (N) Legend: (P) - Pathogenic, (N) - Neutral, (B) - Benign

NM_001009944.3(PKD1):c.2170G>T (p.Gly724Cys)

Gene: PKD1 (polycystin 1, transient receptor potential channel interacting; minus strand). Cytogenetic location: 16p13.3.
Variant type: single nucleotide variant.
Coding change: c.2170G>T on transcript NM_001009944.3 (MANE Select); coding-DNA position 2170, G replaced by T.
Protein change: p.Gly724Cys; replaces glycine 724 with cysteine.
Molecular consequence: missense variant.
Genome position (GRCh38, 1-based): chr16:2,114,853, C>A on the plus strand (G>T on the coding strand, the complement: PKD1 is on the minus strand). VCF-style: chr16-2114853-C-A. GRCh37 (hg19) VCF-style: chr16-2164854-C-A.
Other names: c.2170G>T, p.Gly724Cys (NM_000296.4); short protein forms G724C.
Identifiers: ClinVar variation 1806060 (VCV001806060.1), dbSNP rs2544856180, ClinGen allele CA394389199.